The following is an entry in ClinVar:

NM_001040108.2(MLH3):c.1142G>C (p.Arg381Pro)

Gene: MLH3 (mutL homolog 3; minus strand). Cytogenetic location: 14q24.3.
Variant type: single nucleotide variant.
Coding change: c.1142G>C on transcript NM_001040108.2 (MANE Select); coding-DNA position 1142, G replaced by C.
Protein change: p.Arg381Pro; replaces arginine 381 with proline.
Molecular consequence: missense variant.
Genome position (GRCh38, 1-based): chr14:75,048,514, C>G on the plus strand (G>C on the coding strand, the complement: MLH3 is on the minus strand). VCF-style: chr14-75048514-C-G. GRCh37 (hg19) VCF-style: chr14-75515217-C-G.
Other names: c.1142G>C, p.Arg381Pro (NM_014381.3); short protein forms R381P.
Identifiers: ClinVar variation 1731663 (VCV001731663.2), dbSNP rs751375245, ClinGen allele CA390447308.

ClinVar aggregate classification (germline): Uncertain significance (1 of 4 stars; one submission).

Submission:

Ambry Genetics
Classification: Uncertain significance. Last evaluated: 2021-10-05. Review status: criteria provided, single submitter. Criteria: Ambry Variant Classification Scheme 2023. Collection method: clinical testing. Allele origin: germline.
Comment: The p.R381P variant (also known as c.1142G>C), located in coding exon 1 of the MLH3 gene, results from a G to C substitution at nucleotide position 1142. The arginine at codon 381 is replaced by proline, an amino acid with dissimilar properties. This amino acid position is conserved. In addition, this alteration is predicted to be tolerated by in silico analysis. Since supporting evidence is limited at this time, the clinical significance of this alteration remains unclear.